The following is an entry in ClinVar:

NM_001040142.2(SCN2A):c.2673C>T (p.Ile891=)

Gene: SCN2A (sodium voltage-gated channel alpha subunit 2; plus strand). Cytogenetic location: 2q24.3.
Variant type: single nucleotide variant.
Coding change: c.2673C>T on transcript NM_001040142.2 (MANE Select); coding-DNA position 2673, C replaced by T.
Protein change: p.Ile891=; no amino-acid change (isoleucine 891 retained).
Molecular consequence: synonymous variant.
Genome position (GRCh38, 1-based): chr2:165,344,665, C>T. VCF-style: chr2-165344665-C-T. GRCh37 (hg19) VCF-style: chr2-166201175-C-T.
Other names: c.2673C>T, p.Ile891= (NM_001040143.2, NM_001371246.1, NM_001371247.1 and 1 more transcripts).
Identifiers: ClinVar variation 212126 (VCV000212126.23), dbSNP rs529842407, ClinGen allele CA209505.

ClinVar aggregate classification (germline): Conflicting classifications of pathogenicity. Review status: criteria provided, conflicting classifications (1 of 4 stars). 5 submissions from 5 submitters: Uncertain significance (2); Benign (3). Last evaluated 2025-03-23.

Conditions:
Seizures, benign familial infantile, 3 (BFIS3). Also called: Familial neonatal seizures; CONVULSIONS, BENIGN FAMILIAL INFANTILE, 3. Identifiers: Orphanet 140927, Orphanet 306, MedGen C1843140, MONDO:0011904, OMIM 607745.
Developmental and epileptic encephalopathy, 11 (DEE11). Also called: Early infantile epileptic encephalopathy 11. Identifiers: Orphanet 1934, MedGen C3150987, MONDO:0013388, OMIM 613721.

Allele frequency attached by ClinVar (database versions not stated): gnomAD 0.00003 and 0.00007; TOPMed 0.00003; gnomAD exomes 0.00020 and 0.00040; 1000 Genomes Project 30x 0.00031; ExAC 0.00039; 1000 Genomes Project 0.00040.
gnomAD v4.1: 295 of 1,614,046 alleles (0.018%); highest among the groups gnomAD compares: South Asian, 0.3%; 4 homozygotes.

Submissions (5):

Labcorp Genetics (formerly Invitae), Labcorp
Classification: Benign for Seizures, benign familial infantile, 3; Developmental and epileptic encephalopathy, 11. Last evaluated: 2025-03-23. Review status: criteria provided, single submitter. Criteria: Invitae Variant Classification Sherloc (09022015). Collection method: clinical testing. Allele origin: germline.

GeneDx
Classification: Benign. Last evaluated: 2020-03-19. Review status: criteria provided, single submitter. Criteria: GeneDx Variant Classification Process June 2021. Collection method: clinical testing. Allele origin: germline. Affected: yes.

Illumina Laboratory Services, Illumina
Classification: Benign for Seizures, benign familial infantile, 3. Last evaluated: 2018-03-06. Review status: criteria provided, single submitter. Criteria: ICSL Variant Classification Criteria 13 December 2019. Collection method: clinical testing. Allele origin: germline.
Comment: This variant was observed in the ICSL laboratory as part of a predisposition screen in an ostensibly healthy population. It had not been previously curated by ICSL or reported in the Human Gene Mutation Database (HGMD: prior to June 1st, 2018), and was therefore a candidate for classification through an automated scoring system. Utilizing variant allele frequency, disease prevalence and penetrance estimates, and inheritance mode, an automated score was calculated to assess if this variant is too frequent to cause the disease. Based on the score and internal cut-off values, a variant classified as benign is not then subjected to further curation. The score for this variant resulted in a classification of benign for this disease.

Eurofins Ntd Llc (ga)
Classification: Uncertain significance. Last evaluated: 2016-06-23. Review status: criteria provided, single submitter. Criteria: EGL Classification Definitions 2015. Collection method: clinical testing. Allele origin: germline. Observed: 1 variant allele, 1 heterozygote.

Genetic Services Laboratory, University of Chicago
Classification: Uncertain significance. Last evaluated: 2015-06-24. Review status: criteria provided, single submitter. Criteria: ACMG Guidelines, 2015. Collection method: clinical testing. Allele origin: germline.